The following is an entry in ClinVar:

ClinVar aggregate classification (germline): Benign/Likely benign. Review status: criteria provided, multiple submitters, no conflicts (2 of 4 stars). 9 submissions from 9 submitters: Benign (6); Likely benign (1). 2 of the submissions do not count toward it. Last evaluated 2026-02-04.

Conditions:
Epidermodysplasia verruciformis. Identifiers: Orphanet 302, MedGen C0014522, MONDO:0009176.
Epidermodysplasia verruciformis, susceptibility to, 2. Also called: Epidermodysplasia verruciformis 2. Identifiers: MedGen C4722258, MONDO:0032614, OMIM 618231.

Allele frequency attached by ClinVar (database versions not stated): gnomAD 0.55050 and 0.55328; 1000 Genomes Project 0.55232; ESP Exome Variant Server 0.55590; 1000 Genomes Project 30x 0.55840; TOPMed 0.56083.
gnomAD v4.1: 803,715 of 1,613,692 alleles (50%); highest among the groups gnomAD compares: African/African-American, 68%; 202,590 homozygotes.

Submissions (9):

Labcorp Genetics (formerly Invitae), Labcorp
Classification: Benign for Epidermodysplasia verruciformis. Last evaluated: 2026-02-04. Review status: criteria provided, single submitter. Criteria: Invitae Variant Classification Sherloc (09022015). Collection method: clinical testing. Allele origin: germline.

Blueprint Genetics
Classification: Likely benign. Last evaluated: 2024-11-28. Review status: criteria provided, single submitter. Criteria: ACMG Guidelines, 2015. Collection method: clinical testing. Allele origin: germline.

Unidad de Genómica Garrahan, Hospital de Pediatría Garrahan
Classification: Benign. Last evaluated: 2024-01-24. Review status: criteria provided, single submitter. Criteria: ACMG Guidelines, 2015. Collection method: clinical testing. Allele origin: germline. Affected: no. Observed: 75 variant alleles.
Comment: This variant is classified as Benign based on local population frequency. This variant was detected in 85% of patients studied by a panel of primary immunodeficiencies. Number of patients: 75. Only high quality variants are reported.

Genome-Nilou Lab
Classification: Benign for Epidermodysplasia verruciformis, susceptibility to, 2. Last evaluated: 2021-09-10. Review status: criteria provided, single submitter. Criteria: ACMG Guidelines, 2015. Collection method: clinical testing. Allele origin: germline. Affected: no.

GeneDx
Classification: Benign. Last evaluated: 2018-07-09. Review status: criteria provided, single submitter. Criteria: GeneDx Variant Classification Process June 2021. Collection method: clinical testing. Allele origin: germline. Affected: yes.
Comment: This variant is associated with the following publications: (PMID: 25495765, 21196704, 23534907, 25853559, 19005244)

Laboratory for Molecular Medicine, Mass General Brigham Personalized Medicine
Classification: Benign. Last evaluated: 2016-03-29. Review status: criteria provided, single submitter. Criteria: LMM Criteria. Collection method: clinical testing. Allele origin: germline.
Comment: Variant identified in a genome or exome case(s) and assessed due to predicted null impact of the variant or pathogenic assertions in the literature or databases. Disclaimer: This variant has not undergone full assessment. The following are preliminary notes: MAF

Breakthrough Genomics
Classification: Benign. Review status: criteria provided, single submitter. Criteria: ACMG Guidelines, 2015. Collection method: not provided. Allele origin: germline. Inheritance: Autosomal recessive inheritance. Affected: yes.

Diagnostic Laboratory, Department of Genetics, University Medical Center Groningen
Classification: Benign. Review status: no assertion criteria provided. Collection method: clinical testing. Allele origin: germline. Affected: yes. Study: VKGL Data-share Consensus. Not counted in ClinVar's aggregate classification.

Joint Genome Diagnostic Labs from Nijmegen and Maastricht, Radboudumc and MUMC+
Classification: Benign. Review status: no assertion criteria provided. Collection method: clinical testing. Allele origin: germline. Affected: yes. Study: VKGL Data-share Consensus. Not counted in ClinVar's aggregate classification.

NM_152468.5(TMC8):c.917A>T (p.Asn306Ile)

Gene: TMC8 (transmembrane channel like 8; plus strand). Cytogenetic location: 17q25.3.
Variant type: single nucleotide variant.
Coding change: c.917A>T on transcript NM_152468.5 (MANE Select); coding-DNA position 917, A replaced by T.
Protein change: p.Asn306Ile; replaces asparagine 306 with isoleucine.
Molecular consequence: missense variant.
Genome position (GRCh38, 1-based): chr17:78,134,494, A>T. VCF-style: chr17-78134494-A-T. GRCh37 (hg19) VCF-style: chr17-76130575-A-T.
Other names: short protein forms N306I.
Identifiers: ClinVar variation 403548 (VCV000403548.26), dbSNP rs7208422, ClinGen allele CA8796659.